The following is an entry in ClinVar:

NM_007327.4(GRIN1):c.672-134A>G

Gene: GRIN1 (glutamate ionotropic receptor NMDA type subunit 1; plus strand). Cytogenetic location: 9q34.3.
Variant type: single nucleotide variant.
Coding change: c.672-134A>G on transcript NM_007327.4 (MANE Select); 134 bases into the intron before coding-DNA position 672, A replaced by G.
Molecular consequence: intron variant.
Genome position (GRCh38, 1-based): chr9:137,156,535, A>G. VCF-style: chr9-137156535-A-G. GRCh37 (hg19) VCF-style: chr9-140050987-A-G.
Other names: c.735-134A>G (NM_001185090.2, NM_001185091.2); c.672-134A>G (NM_021569.4, NM_000832.7).
Identifiers: ClinVar variation 681800 (VCV000681800.2), dbSNP rs28514863, ClinGen allele CA12976568.

ClinVar aggregate classification (germline): Benign. Review status: criteria provided, multiple submitters, no conflicts (2 of 4 stars). 2 submissions from 2 submitters: Benign (2). Last evaluated 2018-06-18.

Allele frequency attached by ClinVar (database versions not stated): 1000 Genomes Project 0.14077; 1000 Genomes Project 30x 0.14085; TOPMed 0.21246; gnomAD 0.23272 and 0.23502; gnomAD exomes 0.30084.
gnomAD v4.1: 373,185 of 1,280,400 alleles (29%); highest among the groups gnomAD compares: Non-Finnish European, 33%; 59,806 homozygotes.

Submissions (2):

GeneDx
Classification: Benign. Last evaluated: 2018-06-18. Review status: criteria provided, single submitter. Criteria: GeneDx Variant Classification (06012015). Collection method: clinical testing. Allele origin: germline. Affected: yes.
Comment: This variant is considered likely benign or benign based on one or more of the following criteria: it is a conservative change, it occurs at a poorly conserved position in the protein, it is predicted to be benign by multiple in silico algorithms, and/or has population frequency not consistent with disease.

Breakthrough Genomics
Classification: Benign. Review status: criteria provided, single submitter. Criteria: ACMG Guidelines, 2015. Collection method: not provided. Allele origin: germline. Inheritance: Autosomal recessive inheritance. Affected: yes.